The following is an entry in ClinVar:

NM_000455.5(STK11):c.915_920+5delinsCATCCGGCAGATCCGGCAGATGCCGGCAGATCCGGCAGATCCGGCAGATC

Gene: STK11 (serine/threonine kinase 11; plus strand). Cytogenetic location: 19p13.3.
Variant type: Indel.
Coding change: c.915_920+5delinsCATCCGGCAGATCCGGCAGATGCCGGCAGATCCGGCAGATCCGGCAGATC on transcript NM_000455.5 (MANE Select); coding-DNA position 915 through 5 bases into the intron after coding-DNA position 920, the reference bases replaced by an inserted sequence.
Molecular consequence: splice donor variant.
Genome position (GRCh38, 1-based): chr19:1,222,001-1,222,011, 11 bases replaced. GRCh37 (hg19): chr19:1,222,000-1,222,010.
Other names: c.915_920+5delinsCATCCGGCAGATCCGGCAGATGCCGGCAGATCCGGCAGATCCGGCAGATC (NM_001407255.1).
Identifiers: ClinVar variation 2836550 (VCV002836550.3), dbSNP rs2512946767, ClinGen allele CA2739276340.
Genomic context (GRCh38, chr19:1,222,001, plus strand): 5'-CTCCTCAGGGATGCTTGAGTACGAACCGGCCAAGAGGTTCTCCATCCGGCAGATCCGGCA[GCACAGGTGAG>CATCCGGCAGATCCGGCAGATGCCGGCAGATCCGGCAGATCCGGCAGATC]CGGCCCCTGGGGGCAGTGGGGCCGAGGCTGCAGGGAGGCCGGCCATGTGGGCAGCTGGTT-3'

ClinVar aggregate classification (germline): Pathogenic (1 of 4 stars; one submission).

Conditions:
Peutz-Jeghers syndrome (PJS). Also called: POLYPOSIS, HAMARTOMATOUS INTESTINAL; POLYPS-AND-SPOTS SYNDROME; Peutz-Jeghers polyposis; Periorificial lentiginosis syndrome. Identifiers: Orphanet 2869, MedGen C0031269, MeSH D010580, MONDO:0008280, OMIM 175200.

Submission:

Labcorp Genetics (formerly Invitae), Labcorp
Classification: Pathogenic for Peutz-Jeghers syndrome. Last evaluated: 2024-09-29. Review status: criteria provided, single submitter. Criteria: Invitae Variant Classification Sherloc (09022015). Collection method: clinical testing. Allele origin: germline.
Comment: This variant results in the deletion of part of exon 7 (c.915_920+5delins50) of the STK11 gene. It is expected to disrupt RNA splicing. Variants that disrupt the donor or acceptor splice site typically lead to a loss of protein function (PMID: 16199547), and loss-of-function variants in STK11 are known to be pathogenic (PMID: 15188174, 16287113). This variant is not present in population databases (gnomAD no frequency). This variant has not been reported in the literature in individuals affected with STK11-related conditions. This variant disrupts a region of the STK11 protein in which other variant(s) (p.His306Tyr) have been determined to be pathogenic (PMID: 10874301, 24652667; internal data). This suggests that this is a clinically significant region of the protein, and that variants that disrupt it are likely to be disease-causing. For these reasons, this variant has been classified as Pathogenic.

Literature cited by the submitters: PubMed 16199547; PubMed 15188174; PubMed 16287113; PubMed 10874301; PubMed 24652667.